The following is an entry in ClinVar:

ClinVar aggregate classification (germline): Pathogenic/Likely pathogenic. Review status: criteria provided, multiple submitters, no conflicts (2 of 4 stars). 8 submissions from 8 submitters: Pathogenic (4); Likely pathogenic (4). Last evaluated 2025-12-30.

Conditions:
ALPL-related disorder. Also called: ALPL-related disorders; ALPL-related condition.
Adult hypophosphatasia. Identifiers: Orphanet 247676, Orphanet 436, MedGen C0268413, MONDO:1010154, OMIM 146300, MONDO:0007798.
Hypophosphatasia. Also called: Phosphoethanol-aminuria. Identifiers: Orphanet 436, MedGen C0020630, MeSH D007014, MONDO:0018570.

Allele frequency attached by ClinVar (database versions not stated): gnomAD exomes below 0.00001.
gnomAD v4.1: 3 of 1,613,874 alleles (0.00019%); highest among the groups gnomAD compares: Non-Finnish European, 0.00025%; no homozygotes.

Submissions (8):

GeneDx
Classification: Pathogenic. Last evaluated: 2025-12-30. Review status: criteria provided, single submitter. Criteria: GeneDx Variant Classification Process June 2021. Collection method: clinical testing. Allele origin: germline.
Comment: Identified in the heterozygous state in individuals in the published literature with low alkaline phosphatase activity in the published literature, however, detailed clinical and segregation information was not included (PMID: 21956185, 38884565, 32066479, 37351650); Identified in the heterozygous state in a prenatal case with skeletal manifestations who was later found to have low alkaline phosphatase activity (PMID: 33549410); Published functional studies demonstrate a damaging effect (PMID: 32160374); In silico analysis supports that this missense variant has a deleterious effect on protein structure/function; Not observed at significant frequency in large population cohorts (gnomAD); This variant is associated with the following publications: (PMID: 21956185, 38884565, 27179278, 17253930, 32066479, 37351650, 33549410, 39983296, 32160374)

Labcorp Genetics (formerly Invitae), Labcorp
Classification: Pathogenic. Last evaluated: 2025-12-17. Review status: criteria provided, single submitter. Criteria: Invitae Variant Classification Sherloc (09022015). Collection method: clinical testing. Allele origin: germline.
Comment: This sequence change replaces arginine, which is basic and polar, with glutamine, which is neutral and polar, at codon 428 of the ALPL protein (p.Arg428Gln). This variant is not present in population databases (gnomAD no frequency). This missense change has been observed in individual(s) with hypophosphatasia (PMID: 32066479). ClinVar contains an entry for this variant (Variation ID: 1916167). Invitae Evidence Modeling of protein sequence and biophysical properties (such as structural, functional, and spatial information, amino acid conservation, physicochemical variation, residue mobility, and thermodynamic stability) indicates that this missense variant is expected to disrupt ALPL protein function with a positive predictive value of 95%. This variant disrupts the p.Arg428 amino acid residue in ALPL. Other variant(s) that disrupt this residue have been determined to be pathogenic (PMID: 17253930, 27179278; internal data). This suggests that this residue is clinically significant, and that variants that disrupt this residue are likely to be disease-causing. For these reasons, this variant has been classified as Pathogenic.

Genomic Medicine Center of Excellence, King Faisal Specialist Hospital and Research Centre
Classification: Likely pathogenic for Adult hypophosphatasia. Last evaluated: 2025-09-10. Review status: criteria provided, single submitter. Criteria: ACMG Guidelines, 2015. Collection method: clinical testing. Allele origin: germline.

Genomenon, Inc
Classification: Pathogenic for Hypophosphatasia. Last evaluated: 2025-08-29. Review status: criteria provided, single submitter. Criteria: Genomenon Sequence Variant Interpretation Standards. Collection method: curation. Allele origin: germline. Affected: yes.
Comment: ALPL Arg428Gln (c.1283G>A) is a missense variant that changes the amino acid at residue 428 from Arginine to Glutamine. This variant has been observed in at least one proband affected with hypophosphatasia (PMID:38884565;33549410). At least one functional study has demonstrated a substantial alteration in protein function relative to the wild-type (PMID:32160374). It is absent or not present at a significant frequency in gnomAD. In silico models agree that this variant is possibly or probably damaging. In conclusion, we classify ALPL p.Arg428Gln (c.1283G>A) as a pathogenic variant.

Natera, Inc.
Classification: Likely pathogenic for Hypophosphatasia. Last evaluated: 2025-08-25. Review status: criteria provided, single submitter. Criteria: Natera Variant Classification Schema (03/2026). Collection method: clinical testing. Allele origin: germline.
Comment: The c.1283G>A variant in ALPL is a missense variant predicted to cause substitution of arginine to glutamine at amino acid 428. This variant is rare in the general population with a frequency below the threshold expected for the associated phenotype(s). This variant has been observed in affected individual(s) with monoallelic occurrence (heterozygous/hemizygous) (PMID: 37351650, 32066479, 32973344). Functional studies show that this variant may disrupt protein function (PMID: 32160374). Computational prediction algorithms indicate this variant is likely to affect gene or protein function. Given the available evidence, this variant is classified as Likely Pathogenic.

PreventionGenetics, part of Exact Sciences
Classification: Likely pathogenic for ALPL-related condition. Last evaluated: 2025-03-24. Review status: criteria provided, single submitter. Criteria: ACMG Guidelines, 2015. Collection method: clinical testing. Allele origin: germline.
Comment: The ALPL c.1283G>A variant is predicted to result in the amino acid substitution p.Arg428Gln. This variant has been reported in the heterozygous state in multiple individuals with hypophosphatasia (Supplementary table 1, Tornero et al. 2020. PubMed ID: 32066479; Sperelakis-Beedham et al. 2021. PubMed ID: 33549410; Calmarza et al. 2023. PubMed ID: 37351650 ) and was shown to confer significantly reduced (<5%) enzyme activity compared to wild-type (Del Angel et al. 2020. PubMed ID: 32160374). This variant has not been reported in a large population database (gnomAD), indicating it is rare. This variant is interpreted as likely pathogenic.

Women's Health and Genetics/Laboratory Corporation of America, LabCorp
Classification: Pathogenic for Hypophosphatasia. Last evaluated: 2024-09-13. Review status: criteria provided, single submitter. Criteria: LabCorp Variant Classification Summary - May 2015. Collection method: clinical testing. Allele origin: germline.
Comment: Variant summary: ALPL c.1283G>A (p.Arg428Gln) results in a conservative amino acid change in the encoded protein sequence. Four of five in-silico tools predict a damaging effect of the variant on protein function. The variant was absent in 251366 control chromosomes (GNOMad). c.1283G>A has been reported in the literature in multiple individuals affected with Hypophosphatasia (Tornero_2020, Del Angel_2020, Sperelakis-Beedham_2021, Kishnani_2024). These data indicate that the variant is very likely to be associated with disease. At least one publication reports experimental evidence evaluating an impact on protein function. The most pronounced variant effect results in <10% of normal activity (Del Angel_2020). The following publications have been ascertained in the context of this evaluation (PMID: 32160374, 38884565, 33549410, 32066479). ClinVar contains an entry for this variant (Variation ID: 1916167). Based on the evidence outlined above, the variant was classified as pathogenic.

JKU Lab, Dept of Paediatrics, Johannes Kepler University
Classification: Likely pathogenic for Hypophosphatasia. Last evaluated: 2023-06-20. Review status: criteria provided, single submitter. Criteria: ACMG Guidelines, 2015. Collection method: clinical testing. Allele origin: germline. Affected: yes. Observed: 1 heterozygote.
Comment: Absent in GnomAD. Functional testing at the JKU lab showed reduced ALP residual activity. The functional test results and ACMG criteria applied can be looked up in the ALPL gene variant database.

Literature cited by the submitters: PubMed 32066479 (cited by 3 submitters); PubMed 17253930 (cited by Labcorp Genetics (formerly Invitae), Labcorp); PubMed 27179278 (cited by Labcorp Genetics (formerly Invitae), Labcorp); PubMed 38884565 (cited by Genomenon, Inc and Women's Health and Genetics/Laboratory Corporation of America, LabCorp); PubMed 33549410 (cited by Genomenon, Inc and Women's Health and Genetics/Laboratory Corporation of America, LabCorp); PubMed 32160374 (cited by 3 submitters); PubMed 37351650 (cited by Natera, Inc.); PubMed 32973344 (cited by Natera, Inc.).

NM_000478.6(ALPL):c.1283G>A (p.Arg428Gln)

Gene: ALPL (alkaline phosphatase, biomineralization associated; plus strand). Cytogenetic location: 1p36.12.
Variant type: single nucleotide variant.
Coding change: c.1283G>A on transcript NM_000478.6 (MANE Select); coding-DNA position 1283, G replaced by A.
Protein change: p.Arg428Gln; replaces arginine 428 with glutamine.
Molecular consequence: missense variant.
Genome position (GRCh38, 1-based): chr1:21,576,615, G>A. VCF-style: chr1-21576615-G-A. GRCh37 (hg19) VCF-style: chr1-21903108-G-A.
Other names: c.1118G>A, p.Arg373Gln (NM_001127501.4); c.1052G>A, p.Arg351Gln (NM_001177520.3); c.1283G>A, p.Arg428Gln (NM_001369803.2, NM_001369804.2, NM_001369805.2); c.1283G>A (NM_000478.5, NM_000478.4); short protein forms R373Q, R428Q, R351Q.
Identifiers: ClinVar variation 1916167 (VCV001916167.13), dbSNP rs1644741201, ClinGen allele CA338881850.